The following is an entry in ClinVar:

NM_002397.5(MEF2C):c.537G>C (p.Arg179Ser)

Gene: MEF2C (myocyte enhancer factor 2C; minus strand). Cytogenetic location: 5q14.3.
Variant type: single nucleotide variant.
Coding change: c.537G>C on transcript NM_002397.5 (MANE Select); coding-DNA position 537, G replaced by C.
Protein change: p.Arg179Ser; replaces arginine 179 with serine.
Molecular consequence: missense variant.
Genome position (GRCh38, 1-based): chr5:88,751,909, C>G on the plus strand (G>C on the coding strand, the complement: MEF2C is on the minus strand). VCF-style: chr5-88751909-C-G. GRCh37 (hg19) VCF-style: chr5-88047726-C-G.
Other names: c.531G>C, p.Arg177Ser (NM_001131005.2, NM_001364343.2, NM_001364352.2); c.591G>C, p.Arg197Ser (NM_001193347.1, NM_001364338.2); c.393G>C, p.Arg131Ser (NM_001193348.1, NM_001193349.3, NM_001364332.2 and 3 more transcripts); c.537G>C, p.Arg179Ser (NM_001193350.2, NM_001308002.3, NM_001363581.2 and 18 more transcripts); c.159G>C, p.Arg53Ser (NM_001364353.2, NM_001364356.2); c.111G>C, p.Arg37Ser (NM_001364357.2); short protein forms R131S, R177S, R179S, R197S, R37S, R53S.
Identifiers: ClinVar variation 3392732 (VCV003392732.1).

ClinVar aggregate classification (germline): Uncertain significance (1 of 4 stars; one submission).

Submission:

GeneDx
Classification: Uncertain significance. Last evaluated: 2024-06-25. Review status: criteria provided, single submitter. Criteria: GeneDx Variant Classification Process June 2021. Collection method: clinical testing. Allele origin: germline. Affected: yes.
Comment: Not observed at significant frequency in large population cohorts (gnomAD); In silico analysis supports that this missense variant has a deleterious effect on protein structure/function; Has not been previously published as pathogenic or benign to our knowledge